The following is an entry in ClinVar:

NM_020975.6(RET):c.2430C>G (p.Gly810=)

Gene: RET (ret proto-oncogene; plus strand). Cytogenetic location: 10q11.21.
Variant type: single nucleotide variant.
Coding change: c.2430C>G on transcript NM_020975.6 (MANE Select); coding-DNA position 2430, C replaced by G.
Protein change: p.Gly810=; no amino-acid change (glycine 810 retained).
Molecular consequence: synonymous variant.
Genome position (GRCh38, 1-based): chr10:43,119,568, C>G. VCF-style: chr10-43119568-C-G. GRCh37 (hg19) VCF-style: chr10-43615016-C-G.
Other names: c.1245C>G, p.Gly415= (NM_001406788.1, NM_001406789.1, NM_001406790.1); c.2430C>G, p.Gly810= (NM_000323.2, NM_001406743.1, NM_001406744.1 and 4 more transcripts); c.1668C>G, p.Gly556= (NM_001355216.2); c.2301C>G, p.Gly767= (NM_001406761.1, NM_001406762.1, NM_001406764.1); c.2295C>G, p.Gly765= (NM_001406763.1, NM_001406765.1); c.2142C>G, p.Gly714= (NM_001406766.1, NM_001406767.1, NM_001406770.1); c.2166C>G, p.Gly722= (NM_001406768.1); c.2034C>G, p.Gly678= (NM_001406769.1, NM_001406772.1); and 10 more.
Identifiers: ClinVar variation 767614 (VCV000767614.16), dbSNP rs749997455, ClinGen allele CA039225.

ClinVar aggregate classification (germline): Benign/Likely benign. Review status: criteria provided, multiple submitters, no conflicts (2 of 4 stars). 4 submissions from 4 submitters: Benign (1); Likely benign (3). Last evaluated 2025-07-07.

Conditions:
Multiple endocrine neoplasia, type 2 (MEN2). Identifiers: Orphanet 653, MedGen C4048306, MONDO:0019003. Disease mechanism: gain of function.
Hereditary cancer-predisposing syndrome. Also called: Neoplastic Syndromes, Hereditary; Hereditary Cancer Syndrome; Tumor predisposition; Hereditary neoplastic syndrome. Identifiers: Orphanet 140162, MedGen C0027672, MeSH D009386, MONDO:0015356.
Multiple endocrine neoplasia type 2A. Also called: Multiple Endocrine Neoplasia Type 2A (MEN2A); MULTIPLE ENDOCRINE NEOPLASIA, TYPE IIA; PTC SYNDROME; SIPPLE SYNDROME; MEN 2A; MEN-2A syndrome. Identifiers: Orphanet 247698, Orphanet 653, MedGen C0025268, MeSH D018813, MONDO:0008234, OMIM 171400.

Allele frequency attached by ClinVar (database versions not stated): gnomAD exomes below 0.00001; ExAC 0.00001; gnomAD 0.00001; TOPMed 0.00002.
gnomAD v4.1: 24 of 1,609,812 alleles (0.0015%); highest among the groups gnomAD compares: Non-Finnish European, 0.002%; no homozygotes.

Submissions (4):

Labcorp Genetics (formerly Invitae), Labcorp
Classification: Likely benign for Multiple endocrine neoplasia, type 2. Last evaluated: 2025-07-07. Review status: criteria provided, single submitter. Criteria: Invitae Variant Classification Sherloc (09022015). Collection method: clinical testing. Allele origin: germline.

Myriad Genetics, Inc.
Classification: Benign for Multiple endocrine neoplasia type 2A. Last evaluated: 2025-02-27. Review status: criteria provided, single submitter. Criteria: Myriad Autosomal Dominant, Autosomal Recessive and X-Linked Classification Criteria (2023). Collection method: clinical testing. Allele origin: unknown.
Comment: This variant is considered benign. This variant is a silent/synonymous amino acid change and it is not expected to impact splicing.

All of Us Research Program, National Institutes of Health
Classification: Likely benign for Multiple endocrine neoplasia, type 2. Last evaluated: 2023-03-23. Review status: criteria provided, single submitter. Criteria: ACMG Guidelines, 2015. Collection method: clinical testing. Allele origin: germline. Inheritance: Autosomal dominant inheritance. Observed: 1 variant allele, 1 heterozygote.
Comment: This study involves interpretation of variants in research participants for the purpose of population health screening. Participant phenotype was not available at the time of variant classification. Additional details can be found in publication PMID: 35346344, PMCID: PMC8962531

Ambry Genetics
Classification: Likely benign for Hereditary cancer-predisposing syndrome. Last evaluated: 2021-09-10. Review status: criteria provided, single submitter. Criteria: Ambry Variant Classification Scheme 2023. Collection method: clinical testing. Allele origin: germline.